The following is an entry in ClinVar:

ClinVar aggregate classification (germline): Likely benign. Review status: criteria provided, multiple submitters, no conflicts (2 of 4 stars). 2 submissions from 2 submitters: Likely benign (2). Last evaluated 2022-04-14.

Conditions:
Orofaciodigital syndrome type 6 (OFD6). Also called: OROFACIODIGITAL SYNDROME VI; OFDS VI; POLYDACTYLY, CLEFT LIP/PALATE OR LINGUAL LUMP, AND PSYCHOMOTOR RETARDATION; VARADI SYNDROME; VARADI-PAPP SYNDROME; Oral-facial-digital syndrome type 6. Identifiers: Orphanet 2754, MedGen C2745997, MONDO:0010176, OMIM 277170.
Joubert syndrome 17 (JBTS17). Identifiers: Orphanet 475, MedGen C3553264, MONDO:0013824, OMIM 614615.

Allele frequency attached by ClinVar (database versions not stated): gnomAD 0.00001.
gnomAD v4.1: 5 of 1,610,710 alleles (0.00031%); highest among the groups gnomAD compares: African/African-American, 0.0013%; no homozygotes.

Submissions (2):

Fulgent Genetics
Classification: Likely benign for Orofaciodigital syndrome type 6; Joubert syndrome 17. Last evaluated: 2022-04-14. Review status: criteria provided, single submitter. Criteria: ACMG Guidelines, 2015. Collection method: clinical testing. Allele origin: unknown.

GeneDx
Classification: Likely benign. Last evaluated: 2018-02-14. Review status: criteria provided, single submitter. Criteria: GeneDx Variant Classification (06012015). Collection method: clinical testing. Allele origin: germline. Affected: yes.
Comment: This variant is considered likely benign or benign based on one or more of the following criteria: it is a conservative change, it occurs at a poorly conserved position in the protein, it is predicted to be benign by multiple in silico algorithms, and/or has population frequency not consistent with disease.

NM_001384732.1(CPLANE1):c.7428G>T (p.Leu2476=)

Gene: CPLANE1 (ciliogenesis and planar polarity effector complex subunit 1; minus strand). Cytogenetic location: 5p13.2.
Variant type: single nucleotide variant.
Coding change: c.7428G>T on transcript NM_001384732.1 (MANE Select); coding-DNA position 7428, G replaced by T.
Protein change: p.Leu2476=; no amino-acid change (leucine 2476 retained).
Molecular consequence: synonymous variant.
Genome position (GRCh38, 1-based): chr5:37,165,644, C>A on the plus strand (G>T on the coding strand, the complement: CPLANE1 is on the minus strand). VCF-style: chr5-37165644-C-A. GRCh37 (hg19) VCF-style: chr5-37165746-C-A.
Other names: c.7428G>T, p.Leu2476= (NM_023073.4).
Identifiers: ClinVar variation 515209 (VCV000515209.2), dbSNP rs145750519, ClinGen allele CA443920219.